The following is an entry in ClinVar:

NM_138704.4(NSMCE3):c.814A>G (p.Asn272Asp)

Genes: NSMCE3 (NSE3 component of SMC5/6 complex; minus strand), ENTREP2 (endosomal transmembrane epsin interactor 2; minus strand). Cytogenetic location: 15q13.1.
Variant type: single nucleotide variant.
Coding change: c.814A>G on transcript NM_138704.4 (MANE Select); coding-DNA position 814, A replaced by G.
Protein change: p.Asn272Asp; replaces asparagine 272 with aspartic acid.
Molecular consequence: missense variant. On other transcripts: intron variant (5).
Genome position (GRCh38, 1-based): chr15:29,268,892, T>C on the plus strand (A>G on the coding strand, the complement: NSMCE3 is on the minus strand). VCF-style: chr15-29268892-T-C. GRCh37 (hg19) VCF-style: chr15-29561096-T-C.
Other names: c.-12-16414A>G (NM_001387216.1, NM_001387217.1, NM_001387215.1); c.277-16414A>G (NM_001387214.1, NM_015307.2); short protein forms N272D.
Identifiers: ClinVar variation 2016181 (VCV002016181.4), dbSNP rs1340560807, ClinGen allele CA391483432.

ClinVar aggregate classification (germline): Uncertain significance (1 of 4 stars; one submission).

Submission:

Labcorp Genetics (formerly Invitae), Labcorp
Classification: Uncertain significance. Last evaluated: 2022-07-11. Review status: criteria provided, single submitter. Criteria: Invitae Variant Classification Sherloc (09022015). Collection method: clinical testing. Allele origin: germline.
Comment: In summary, the available evidence is currently insufficient to determine the role of this variant in disease. Therefore, it has been classified as a Variant of Uncertain Significance. Algorithms developed to predict the effect of missense changes on protein structure and function (SIFT, PolyPhen-2, Align-GVGD) all suggest that this variant is likely to be tolerated. This variant has not been reported in the literature in individuals affected with NSMCE3-related conditions. This variant is not present in population databases (gnomAD no frequency). This sequence change replaces asparagine, which is neutral and polar, with aspartic acid, which is acidic and polar, at codon 272 of the NSMCE3 protein (p.Asn272Asp).